The following is an entry in ClinVar:

ClinVar aggregate classification (germline): Uncertain significance (1 of 4 stars; one submission).

Submission:

Labcorp Genetics (formerly Invitae), Labcorp
Classification: Uncertain significance. Last evaluated: 2024-05-02. Review status: criteria provided, single submitter. Criteria: Invitae Variant Classification Sherloc (09022015). Collection method: clinical testing. Allele origin: germline.
Comment: This sequence change replaces lysine, which is basic and polar, with glutamic acid, which is acidic and polar, at codon 1596 of the PHIP protein (p.Lys1596Glu). This variant is not present in population databases (gnomAD no frequency). This variant has not been reported in the literature in individuals affected with PHIP-related conditions. Advanced modeling of protein sequence and biophysical properties (such as structural, functional, and spatial information, amino acid conservation, physicochemical variation, residue mobility, and thermodynamic stability) performed at Invitae indicates that this missense variant is not expected to disrupt PHIP protein function with a negative predictive value of 80%. In summary, the available evidence is currently insufficient to determine the role of this variant in disease. Therefore, it has been classified as a Variant of Uncertain Significance.

NM_017934.7(PHIP):c.4786A>G (p.Lys1596Glu)

Genes: IRAK1BP1 (interleukin 1 receptor associated kinase 1 binding protein 1; plus strand), PHIP (PHIP subunit of CUL4-Ring ligase complex; minus strand). Cytogenetic location: 6q14.1.
Variant type: single nucleotide variant.
Coding change: c.4786A>G on transcript NM_017934.7 (MANE Select); coding-DNA position 4786, A replaced by G.
Protein change: p.Lys1596Glu; replaces lysine 1596 with glutamic acid.
Molecular consequence: missense variant.
Genome position (GRCh38, 1-based): chr6:78,945,342, T>C on the plus strand (A>G on the coding strand, the complement: PHIP is on the minus strand). VCF-style: chr6-78945342-T-C. GRCh37 (hg19) VCF-style: chr6-79655059-T-C.
Other names: short protein forms K1596E.
Identifiers: ClinVar variation 3613632 (VCV003613632.2).
Genomic context (GRCh38, chr6:78,945,342, plus strand): 5'-ATACAAGTAATACCTTACCTTGCTCAATGACAGCTGATGACTTTGAAAGAGTGGACGCCT[T>C]TGGGAGTACAGATGACTTCATTTTACGTTTGACTGGCTTTTCCTTTTCCATGTTTTCTTT-3'
Protein context (NP_060404.4, residues 1586-1606): KRKMKSSVLP[Lys1596Glu]ASTLSKSSAV